The following is an entry in ClinVar:

NM_006502.3(POLH):c.*3611T>A

Gene: POLH (DNA polymerase eta; plus strand). Cytogenetic location: 6p21.1.
Variant type: single nucleotide variant.
Coding change: c.*3611T>A on transcript NM_006502.3 (MANE Select); 3611 bases downstream of the stop codon, T replaced by A.
Molecular consequence: 3 prime UTR variant.
Genome position (GRCh38, 1-based): chr6:43,618,168, T>A. VCF-style: chr6-43618168-T-A. GRCh37 (hg19) VCF-style: chr6-43585905-T-A.
Other names: c.*3611T>A (NM_001291969.2); c.*4437T>A (NM_001291970.2).
Identifiers: ClinVar variation 909022 (VCV000909022.4), dbSNP rs73428626, ClinGen allele CA138308996.
Genomic context (GRCh38, chr6:43,618,168, plus strand): 5'-AAAATTTGTTATGTAGCTTTTTGCACTTGTCCATGTTTATACTACTGTATTATTATTATT[T>A]TTTTTTGAGATGGAGTCTCGCTGTGTAGCCAGGCTGGAGTGCAGTGGTGCAATCTTGGCT-3'

ClinVar aggregate classification (germline): Benign (1 of 4 stars; one submission).

Conditions:
Xeroderma pigmentosum variant type. Also called: POLH-Related Xeroderma Pigmentosum; PHOTOSENSITIVITY WITH DEFECTIVE DNA SYNTHESIS; XERODERMA PIGMENTOSUM WITH NORMAL DNA REPAIR RATES. Identifiers: Orphanet 90342, MedGen C1848410, MONDO:0010214, OMIM 278750.

Allele frequency attached by ClinVar (database versions not stated): gnomAD 0.00783 and 0.00834; 1000 Genomes Project 0.00859; TOPMed 0.00865; 1000 Genomes Project 30x 0.00937.
gnomAD v4.1: 1,183 of 152,234 alleles (0.78%); highest among the groups gnomAD compares: African/African-American, 2.6%; 12 homozygotes.

Submission:

Illumina Laboratory Services, Illumina
Classification: Benign for Xeroderma pigmentosum variant type. Last evaluated: 2018-01-12. Review status: criteria provided, single submitter. Criteria: ICSL Variant Classification Criteria 13 December 2019. Collection method: clinical testing. Allele origin: germline.
Comment: This variant was observed in the ICSL laboratory as part of a predisposition screen in an ostensibly healthy population. It had not been previously curated by ICSL or reported in the Human Gene Mutation Database (HGMD: prior to June 1st, 2018), and was therefore a candidate for classification through an automated scoring system. Utilizing variant allele frequency, disease prevalence and penetrance estimates, and inheritance mode, an automated score was calculated to assess if this variant is too frequent to cause the disease. Based on the score and internal cut-off values, a variant classified as benign is not then subjected to further curation. The score for this variant resulted in a classification of benign for this disease.